The following is an entry in ClinVar:

ClinVar aggregate classification (germline): Benign/Likely benign. Review status: criteria provided, multiple submitters, no conflicts (2 of 4 stars). 4 submissions from 4 submitters: Benign (2); Likely benign (2). Last evaluated 2026-10-01.

Allele frequency attached by ClinVar (database versions not stated): gnomAD exomes 0.00075; ExAC 0.00100; TOPMed 0.00319; gnomAD 0.00337 and 0.00372; 1000 Genomes Project 0.00359; ESP Exome Variant Server 0.00369; 1000 Genomes Project 30x 0.00422.
gnomAD v4.1: 834 of 1,580,016 alleles (0.053%); highest among the groups gnomAD compares: African/African-American, 1.1%; 4 homozygotes.

Submissions (9):

CeGaT Center for Human Genetics Tuebingen
Classification: Likely benign. Last evaluated: 2026-10-01. Review status: criteria provided, single submitter. Criteria: CeGaT Center For Human Genetics Tuebingen Variant Classification Criteria Version 2. Collection method: clinical testing. Allele origin: germline. Affected: yes. Observed: 1 variant allele.
Comment: ERCC1: BP4, BS1

Dasa
Classification: Benign. Last evaluated: 2026-05-01. Review status: criteria provided, single submitter. Criteria: DASA Assertion Criteria. Collection method: clinical testing. Allele origin: germline.
Comment: NM_001983.4(ERCC1):c.106-3C>T is a splice-region variant. Population frequency is inconsistent with a disease-causing role for this variant. Therefore, based on the currently available evidence, this variant is classified as benign.

Labcorp Genetics (formerly Invitae), Labcorp
Classification: Benign. Last evaluated: 2026-02-01. Review status: criteria provided, single submitter. Criteria: Invitae Variant Classification Sherloc (09022015). Collection method: clinical testing. Allele origin: germline.

Blueprint Genetics
Classification: Likely benign. Last evaluated: 2024-11-21. Review status: criteria provided, single submitter. Criteria: ACMG Guidelines, 2015. Collection method: clinical testing. Allele origin: germline.

Dr. Peter K. Rogan Lab, Western University
No classification provided (evidence only). Condition: Uterine corpus endometrial carcinoma. Review status: no classification provided. Collection method: in vitro. Allele origin: not applicable. Functional consequence: skipped exon. Not counted in ClinVar's aggregate classification.

Dr. Peter K. Rogan Lab, Western University
No classification provided (evidence only). Condition: Uterine corpus endometrial carcinoma. Review status: no classification provided. Collection method: in vitro. Allele origin: not applicable. Functional consequence: skipped exon. Not counted in ClinVar's aggregate classification.

Dr. Peter K. Rogan Lab, Western University
No classification provided (evidence only). Condition: Uterine corpus endometrial carcinoma. Review status: no classification provided. Collection method: in vitro. Allele origin: not applicable. Functional consequence: skipped exon, retained intron. Not counted in ClinVar's aggregate classification.

Dr. Peter K. Rogan Lab, Western University
No classification provided (evidence only). Condition: Cervical cancer. Review status: no classification provided. Collection method: in vitro. Allele origin: not applicable. Functional consequence: retained intron. Not counted in ClinVar's aggregate classification.

Dr. Peter K. Rogan Lab, Western University
No classification provided (evidence only). Condition: Thymoma. Review status: no classification provided. Collection method: in vitro. Allele origin: not applicable. Functional consequence: skipped exon. Not counted in ClinVar's aggregate classification.

NM_001983.4(ERCC1):c.106-3C>T

Gene: ERCC1 (ERCC excision repair 1, endonuclease non-catalytic subunit; minus strand). Cytogenetic location: 19q13.32.
Variant type: single nucleotide variant.
Coding change: c.106-3C>T on transcript NM_001983.4 (MANE Select); 3 bases into the intron before coding-DNA position 106, C replaced by T.
Molecular consequence: intron variant.
Genome position (GRCh38, 1-based): chr19:45,421,396, G>A on the plus strand (C>T on the coding strand, the complement: ERCC1 is on the minus strand). VCF-style: chr19-45421396-G-A. GRCh37 (hg19) VCF-style: chr19-45924654-G-A.
Other names: c.106-3C>T (NM_001369412.1, NM_001369413.1, NM_001369417.1 and 11 more transcripts).
Identifiers: ClinVar variation 708638 (VCV000708638.14), dbSNP rs56337328, ClinGen allele CA9515566.